The following is an entry in ClinVar:

ClinVar aggregate classification (germline): Uncertain significance. Review status: criteria provided, multiple submitters, no conflicts (2 of 4 stars). 2 submissions from 2 submitters: Uncertain significance (2). Last evaluated 2023-11-20.

Conditions:
Malignant hyperthermia, susceptibility to, 1 (MHS1). Also called: Anesthesia related hyperthermia; Malignant hyperpyrexia; Fulminating hyperpyrexia; Pharmacogenic myopathy; Malignant hyperthermia suceptibility 1; RYR1-Related Malignant Hyperthermia Susceptibility. Identifiers: Orphanet 423, MedGen C2930980, MONDO:0007783, OMIM 145600.

Submissions (2):

All of Us Research Program, National Institutes of Health
Classification: Uncertain significance for Malignant hyperthermia, susceptibility to, 1. Last evaluated: 2023-11-20. Review status: criteria provided, single submitter. Criteria: ACMG Guidelines, 2015. Collection method: clinical testing. Allele origin: germline. Inheritance: Autosomal dominant inheritance. Observed: 1 variant allele, 1 heterozygote.
Comment: This variant causes the in-frame deletion of one amino acid in the RYR1 protein. To our knowledge, functional studies have not been reported for this variant. This variant has not been reported in individuals affected with RYR1-related disorders in the literature. This variant has not been identified in the general population by the Genome Aggregation Database (gnomAD). The available evidence is insufficient to determine the role of this variant in disease conclusively. Therefore, this variant is classified as a Variant of Uncertain Significance.

This study involves interpretation of variants in research participants for the purpose of population health screening. Participant phenotype was not available at the time of variant classification. Additional details can be found in publication PMID: 35346344, PMCID: PMC8962531

Revvity Omics, Revvity
Classification: Uncertain significance. Last evaluated: 2022-05-16. Review status: criteria provided, single submitter. Criteria: ACMG Guidelines, 2015. Collection method: clinical testing. Allele origin: germline.

NM_000540.3(RYR1):c.15077_15079del (p.Gly5026del)

Gene: RYR1 (ryanodine receptor 1; plus strand). Cytogenetic location: 19q13.2.
Variant type: Deletion.
Coding change: c.15077_15079del on transcript NM_000540.3 (MANE Select); coding-DNA positions 15077 to 15079, 3 bases deleted (GTG; older notation c.15077_15079delGTG).
Protein change: p.Gly5026del; deletes glycine 5026.
Molecular consequence: inframe deletion.
Genome position (GRCh38, 1-based): chr19:38,587,380-38,587,382, GTG deleted; deleting any 3 consecutive bases within chr19:38,587,378-38,587,382 gives the same sequence; the c. name uses the placement nearest the transcript's 3' end. VCF-style (leftmost placement, unchanged base first): chr19-38587377-CTGG-C. GRCh37 (hg19) VCF-style: chr19-39078017-CTGG-C.
Other names: c.15062_15064del, p.Gly5021del (NM_001042723.2); short protein forms G5021del, G5026del.
Identifiers: ClinVar variation 2435575 (VCV002435575.4), dbSNP rs2514786881, ClinGen allele CA2580097264.